The following is an entry in ClinVar:

NM_017654.4(SAMD9):c.1991T>A (p.Leu664Gln)

Gene: SAMD9 (sterile alpha motif domain containing 9; minus strand). Cytogenetic location: 7q21.2.
Variant type: single nucleotide variant.
Coding change: c.1991T>A on transcript NM_017654.4 (MANE Select); coding-DNA position 1991, T replaced by A.
Protein change: p.Leu664Gln; replaces leucine 664 with glutamine.
Molecular consequence: missense variant.
Genome position (GRCh38, 1-based): chr7:93,104,107, A>T on the plus strand (T>A on the coding strand, the complement: SAMD9 is on the minus strand). VCF-style: chr7-93104107-A-T. GRCh37 (hg19) VCF-style: chr7-92733420-A-T.
Other names: c.1991T>A, p.Leu664Gln (NM_001193307.2); short protein forms L664Q.
Identifiers: ClinVar variation 4159152 (VCV004159152.1).

ClinVar aggregate classification (germline): Uncertain significance (1 of 4 stars; one submission).

Conditions:
Inborn genetic diseases. Identifiers: MedGen C0950123, MeSH D030342.

Submission:

Ambry Genetics
Classification: Uncertain significance for Inborn genetic diseases. Last evaluated: 2025-08-14. Review status: criteria provided, single submitter. Criteria: Ambry Variant Classification Scheme 2023. Collection method: clinical testing. Allele origin: germline.
Comment: The p.L664Q variant (also known as c.1991T>A), located in coding exon 1 of the SAMD9 gene, results from a T to A substitution at nucleotide position 1991. The leucine at codon 664 is replaced by glutamine, an amino acid with dissimilar properties. This amino acid position is conserved. In addition, this alteration is predicted to be tolerated by in silico analysis. Based on the available evidence, the clinical significance of this variant remains unclear.